The following is an entry in ClinVar:

ClinVar aggregate classification (germline): Uncertain significance (1 of 4 stars; one submission).

Submission:

GeneDx
Classification: Uncertain significance. Last evaluated: 2026-02-05. Review status: criteria provided, single submitter. Criteria: GeneDx Variant Classification Process June 2021. Collection method: clinical testing. Allele origin: germline.
Comment: Not observed at significant frequency in large population cohorts (gnomAD); In silico analysis suggests that this missense variant does not alter protein structure/function; Has not been previously published as pathogenic or benign to our knowledge

NM_198503.5(KCNT2):c.218G>C (p.Ser73Thr)

Gene: KCNT2 (potassium sodium-activated channel subfamily T member 2; minus strand). Cytogenetic location: 1q31.3.
Variant type: single nucleotide variant.
Coding change: c.218G>C on transcript NM_198503.5 (MANE Select); coding-DNA position 218, G replaced by C.
Protein change: p.Ser73Thr; replaces serine 73 with threonine.
Molecular consequence: missense variant. On other transcripts: non-coding transcript variant (2).
Genome position (GRCh38, 1-based): chr1:196,489,895, C>G on the plus strand (G>C on the coding strand, the complement: KCNT2 is on the minus strand). VCF-style: chr1-196489895-C-G. GRCh37 (hg19) VCF-style: chr1-196459025-C-G.
Other names: c.218G>C, p.Ser73Thr (NM_001287819.3, NM_001287820.3); short protein forms S73T.
Identifiers: ClinVar variation 4975917 (VCV004975917.1).